The following is an entry in ClinVar:

ClinVar aggregate classification (germline): Uncertain significance (1 of 4 stars; one submission).

Conditions:
TPM1-related disorder. Also called: TPM1-related condition.

Submission:

PreventionGenetics, part of Exact Sciences
Classification: Uncertain significance for TPM1-related condition. Last evaluated: 2026-08-13. Review status: criteria provided, single submitter. Criteria: ACMG Guidelines, 2015. Collection method: clinical testing. Allele origin: germline.
Comment: The TPM1 c.134C>T variant is predicted to result in the amino acid substitution p.Ala45Val. This variant has been reported in an individual with hypertrophic cardiomyopathy (Bottillo et al. 2016. PubMed ID: 26656175). This variant has not been reported in a large population database (gnomAD), indicating this variant is rare. At this time, the clinical significance of this variant is uncertain due to the absence of conclusive functional and genetic evidence.

NM_001018005.2(TPM1):c.115-302C>T

Gene: TPM1 (tropomyosin 1; plus strand). Cytogenetic location: 15q22.2.
Variant type: single nucleotide variant.
Coding change: c.115-302C>T on transcript NM_001018005.2 (MANE Select); 302 bases into the intron before coding-DNA position 115, C replaced by T.
Molecular consequence: intron variant. On other transcripts: missense variant (14), non-coding transcript variant (2).
Genome position (GRCh38, 1-based): chr15:63,043,725, C>T. VCF-style: chr15-63043725-C-T. GRCh37 (hg19) VCF-style: chr15-63335924-C-T.
Other names: c.134C>T, p.Ala45Val (NM_001018007.2, NM_001018020.2, NM_001301244.2 and 11 more transcripts); c.115-302C>T (NM_001407326.1, NM_001407337.1, NM_001018006.2 and 10 more transcripts); short protein forms A45V.
Identifiers: ClinVar variation 4986227 (VCV004986227.1).